The following is an entry in ClinVar:

ClinVar aggregate classification (germline): Uncertain significance (1 of 4 stars; one submission).

Conditions:
Myofibrillar myopathy 5. Also called: Filaminopathy (type); FILAMINOPATHY, AUTOSOMAL DOMINANT. Identifiers: Orphanet 171445, MedGen C1836050, MONDO:0012289, OMIM 609524.
Distal myopathy with posterior leg and anterior hand involvement. Also called: WILLIAMS DISTAL MYOPATHY. Identifiers: Orphanet 63273, MedGen C3279722, MONDO:0013550, OMIM 614065.
Hypertrophic cardiomyopathy 26. Also called: Cardiomyopathy, familial hypertrophic, 26. Identifiers: Orphanet 75249, MedGen C4310749, MONDO:0014883, OMIM 617047.

Submission:

Labcorp Genetics (formerly Invitae), Labcorp
Classification: Uncertain significance for Distal myopathy with posterior leg and anterior hand involvement; Myofibrillar myopathy 5; Hypertrophic cardiomyopathy 26. Last evaluated: 2021-09-16. Review status: criteria provided, single submitter. Criteria: Invitae Variant Classification Sherloc (09022015). Collection method: clinical testing. Allele origin: germline.
Comment: This sequence change falls in intron 23 of the FLNC gene. It does not directly change the encoded amino acid sequence of the FLNC protein. It affects a nucleotide within the consensus splice site of the intron. This variant is not present in population databases (ExAC no frequency). This variant has not been reported in the literature in individuals affected with FLNC-related conditions. Variants that disrupt the consensus splice site are a relatively common cause of aberrant splicing (PMID: 17576681, 9536098). Algorithms developed to predict the effect of sequence changes on RNA splicing suggest that this variant may disrupt the consensus splice site. In summary, the available evidence is currently insufficient to determine the role of this variant in disease. Therefore, it has been classified as a Variant of Uncertain Significance.

Literature cited by the submitters: PubMed 17576681; PubMed 9536098.

NM_001458.5(FLNC):c.4127+5C>T

Gene: FLNC (filamin C; plus strand). Cytogenetic location: 7q32.1.
Variant type: single nucleotide variant.
Coding change: c.4127+5C>T on transcript NM_001458.5 (MANE Select); 5 bases into the intron after coding-DNA position 4127, C replaced by T.
Molecular consequence: intron variant.
Genome position (GRCh38, 1-based): chr7:128,846,468, C>T. VCF-style: chr7-128846468-C-T. GRCh37 (hg19) VCF-style: chr7-128486522-C-T.
Other names: c.4127+5C>T (NM_001127487.2).
Identifiers: ClinVar variation 1514411 (VCV001514411.6), dbSNP rs2128936919, ClinGen allele CA2573141604.